The following is an entry in ClinVar:

ClinVar aggregate classification (germline): Uncertain significance (1 of 4 stars; one submission).

Conditions:
Epidermolysis bullosa simplex with nail dystrophy (EBS5D). Identifiers: MedGen C4225309, MONDO:0014661, OMIM 616487.
Epidermolysis bullosa simplex, Ogna type (EBS5A). Also called: Pidermolysis bullosa simplex 5A, Ogna type; EPIDERMOLYSIS BULLOSA SIMPLEX 5A, OGNA TYPE. Identifiers: Orphanet 79401, MedGen C0432317, MONDO:0007555, OMIM 131950.
Epidermolysis bullosa simplex 5B, with muscular dystrophy (EBS5B). Also called: Epidermolysis bullosa simplex with muscular dystrophy; EPIDERMOLYSIS BULLOSA SIMPLEX AND LIMB-GIRDLE MUSCULAR DYSTROPHY. Identifiers: Orphanet 257, MedGen C2931072, MONDO:0009181, OMIM 226670.
Autosomal recessive limb-girdle muscular dystrophy type 2Q (LGMDR17). Also called: MUSCULAR DYSTROPHY, LIMB-GIRDLE, AUTOSOMAL RECESSIVE 17. Identifiers: Orphanet 254361, MedGen C3150989, MONDO:0013390, OMIM 613723.
Epidermolysis bullosa simplex 5C, with pyloric atresia (EBS5C). Also called: PLEC-Related Epidermolysis Bullosa with Pyloric Atresia; Epidermolysis bullosa simplex with pyloric atresia; PLEC1-Related Epidermolysis Bullosa with Pyloric Atresia. Identifiers: Orphanet 158684, MedGen C2677349, MONDO:0012807, OMIM 612138.

gnomAD v4.1: 1 of 1,598,866 alleles (0.000063%); highest among the groups gnomAD compares: South Asian, 0.0011%; no homozygotes.

Submission:

Labcorp Genetics (formerly Invitae), Labcorp
Classification: Uncertain significance for Autosomal recessive limb-girdle muscular dystrophy type 2Q; Epidermolysis bullosa simplex, Ogna type; Epidermolysis bullosa simplex with nail dystrophy; Epidermolysis bullosa simplex 5C, with pyloric atresia; Epidermolysis bullosa simplex 5B, with muscular dystrophy. Last evaluated: 2025-02-13. Review status: criteria provided, single submitter. Criteria: Invitae Variant Classification Sherloc (09022015). Collection method: clinical testing. Allele origin: germline.
Comment: This sequence change replaces alanine, which is neutral and non-polar, with proline, which is neutral and non-polar, at codon 1266 of the PLEC protein (p.Ala1266Pro). This variant is present in population databases (rs782399424, gnomAD 0.003%). This variant has not been reported in the literature in individuals affected with PLEC-related conditions. Invitae Evidence Modeling of protein sequence and biophysical properties (such as structural, functional, and spatial information, amino acid conservation, physicochemical variation, residue mobility, and thermodynamic stability) indicates that this missense variant is not expected to disrupt PLEC protein function with a negative predictive value of 80%. In summary, the available evidence is currently insufficient to determine the role of this variant in disease. Therefore, it has been classified as a Variant of Uncertain Significance.

NM_201384.3(PLEC):c.3715G>C (p.Ala1239Pro)

Gene: PLEC (plectin; minus strand). Cytogenetic location: 8q24.3.
Variant type: single nucleotide variant.
Coding change: c.3715G>C on transcript NM_201384.3 (MANE Select); coding-DNA position 3715, G replaced by C.
Protein change: p.Ala1239Pro; replaces alanine 1239 with proline.
Molecular consequence: missense variant.
Genome position (GRCh38, 1-based): chr8:143,927,451, C>G on the plus strand (G>C on the coding strand, the complement: PLEC is on the minus strand). VCF-style: chr8-143927451-C-G. GRCh37 (hg19) VCF-style: chr8-145001619-C-G.
Other names: c.3796G>C, p.Ala1266Pro (NM_000445.5, NM_001410941.1); c.3673G>C, p.Ala1225Pro (NM_201378.4); c.3649G>C, p.Ala1217Pro (NM_201379.3); c.4126G>C, p.Ala1376Pro (NM_201380.4); c.3619G>C, p.Ala1207Pro (NM_201381.3); c.3715G>C, p.Ala1239Pro (NM_201382.4); c.3727G>C, p.Ala1243Pro (NM_201383.3); short protein forms A1225P, A1243P, A1376P, A1207P, A1239P, A1217P, A1266P.
Identifiers: ClinVar variation 4783141 (VCV004783141.1).
Genomic context (GRCh38, chr8:143,927,451, plus strand): 5'-CCCACCGACCCAAGCCCACCTGCTCCTGCCGCAGCTGCTCCCGCACAGCCTGGCTGTCGG[C>G]CAGCGGCATGGCCTGGATCTGCTCCTGCCGCCGCCTGGCGTCCTGCAGCCAGGCGCCCAA-3'
Protein context (NP_958786.1, residues 1229-1249): RQEQIQAMPL[Ala1239Pro]DSQAVREQLR